The following is an entry in ClinVar:

ClinVar aggregate classification (germline): Uncertain significance. Review status: criteria provided, single submitter (1 of 4 stars). 2 submissions from 2 submitters: Uncertain significance (1). 1 of the submissions does not count toward it. Last evaluated 2025-08-26.

Conditions:
Epidermolysis bullosa dystrophica. Also called: Dystrophic epidermolysis bullosa, Hallopeau-Siemens type (formerly); Dystrophic epidermolysis bullosa. Identifiers: Orphanet 303, MedGen C0079294, MONDO:0006543.

Submissions (2):

Labcorp Genetics (formerly Invitae), Labcorp
Classification: Uncertain significance. Last evaluated: 2025-08-26. Review status: criteria provided, single submitter. Criteria: Invitae Variant Classification Sherloc (09022015). Collection method: clinical testing. Allele origin: germline.
Comment: This sequence change replaces proline, which is neutral and non-polar, with glutamine, which is neutral and polar, at codon 457 of the COL7A1 protein (p.Pro457Gln). This variant is not present in population databases (gnomAD no frequency). This variant has not been reported in the literature in individuals affected with COL7A1-related conditions. Invitae Evidence Modeling of protein sequence and biophysical properties (such as structural, functional, and spatial information, amino acid conservation, physicochemical variation, residue mobility, and thermodynamic stability) indicates that this missense variant is not expected to disrupt COL7A1 protein function with a negative predictive value of 95%. In summary, the available evidence is currently insufficient to determine the role of this variant in disease. Therefore, it has been classified as a Variant of Uncertain Significance.

Natera, Inc.
Classification: Uncertain significance for Dystrophic epidermolysis bullosa. Last evaluated: 2025-04-10. Review status: no assertion criteria provided. Collection method: clinical testing. Allele origin: germline. Not counted in ClinVar's aggregate classification.

NM_000094.4(COL7A1):c.1370C>A (p.Pro457Gln)

Gene: COL7A1 (collagen type VII alpha 1 chain; minus strand). Cytogenetic location: 3p21.31.
Variant type: single nucleotide variant.
Coding change: c.1370C>A on transcript NM_000094.4 (MANE Select); coding-DNA position 1370, C replaced by A.
Protein change: p.Pro457Gln; replaces proline 457 with glutamine.
Molecular consequence: missense variant.
Genome position (GRCh38, 1-based): chr3:48,591,810, G>T on the plus strand (C>A on the coding strand, the complement: COL7A1 is on the minus strand). VCF-style: chr3-48591810-G-T. GRCh37 (hg19) VCF-style: chr3-48629243-G-T.
Other names: short protein forms P457Q.
Identifiers: ClinVar variation 4065183 (VCV004065183.2).